The following is an entry in ClinVar:

ClinVar aggregate classification (germline): Uncertain significance (1 of 4 stars; one submission).

Conditions:
Developmental and epileptic encephalopathy. Identifiers: MedGen C5779964, MONDO:0100620.

Allele frequency attached by ClinVar (database versions not stated): gnomAD 0.00002.

Submission:

Labcorp Genetics (formerly Invitae), Labcorp
Classification: Uncertain significance for Early-infantile DEE. Last evaluated: 2025-01-06. Review status: criteria provided, single submitter. Criteria: Invitae Variant Classification Sherloc (09022015). Collection method: clinical testing. Allele origin: germline.
Comment: This sequence change replaces arginine, which is basic and polar, with tryptophan, which is neutral and slightly polar, at codon 34 of the CACNA2D2 protein (p.Arg34Trp). This variant is not present in population databases (gnomAD no frequency). This variant has not been reported in the literature in individuals affected with CACNA2D2-related conditions. ClinVar contains an entry for this variant (Variation ID: 1368217). Experimental studies and prediction algorithms are not available or were not evaluated, and the functional significance of this variant is currently unknown. In summary, the available evidence is currently insufficient to determine the role of this variant in disease. Therefore, it has been classified as a Variant of Uncertain Significance.

NM_006030.4(CACNA2D2):c.100C>T (p.Arg34Trp)

Gene: CACNA2D2 (calcium voltage-gated channel auxiliary subunit alpha2delta 2; minus strand). Cytogenetic location: 3p21.31.
Variant type: single nucleotide variant.
Coding change: c.100C>T on transcript NM_006030.4 (MANE Select); coding-DNA position 100, C replaced by T.
Protein change: p.Arg34Trp; replaces arginine 34 with tryptophan.
Molecular consequence: missense variant. On other transcripts: intron variant (1).
Genome position (GRCh38, 1-based): chr3:50,503,324, G>A on the plus strand (C>T on the coding strand, the complement: CACNA2D2 is on the minus strand). VCF-style: chr3-50503324-G-A. GRCh37 (hg19) VCF-style: chr3-50540755-G-A.
Other names: c.100C>T, p.Arg34Trp (NM_001005505.3, NM_001174051.3); c.-2+745C>T (NM_001291101.1); short protein forms R34W.
Identifiers: ClinVar variation 1368217 (VCV001368217.6), dbSNP rs1477695737, ClinGen allele CA353000373.